The following is an entry in ClinVar:

ClinVar aggregate classification (germline): Uncertain significance (1 of 4 stars; one submission).

Conditions:
Inborn genetic diseases. Identifiers: MedGen C0950123, MeSH D030342.

Allele frequency attached by ClinVar (database versions not stated): gnomAD exomes below 0.00001; TOPMed below 0.00001.
gnomAD v4.1: 1 of 1,074,980 alleles (0.000093%); highest among the groups gnomAD compares: Non-Finnish European, 0.00013%; no homozygotes.

Submission:

Ambry Genetics
Classification: Uncertain significance for Inborn genetic diseases. Last evaluated: 2023-12-29. Review status: criteria provided, single submitter. Criteria: Ambry Variant Classification Scheme 2023. Collection method: clinical testing. Allele origin: germline.
Comment: The c.2620-3T>A intronic alteration results from a T to A substitution 3 nucleotides before coding exon 24 in the NCKAP1 gene. Based on data from gnomAD, the A allele has an overall frequency of 0.001% (1/178582) total alleles studied. The highest observed frequency was 0.001% (1/87266) of European (non-Finnish) alleles. This nucleotide position is well conserved in available vertebrate species. In silico splice site analysis predicts that this alteration will weaken the native splice acceptor site. Based on insufficient or conflicting evidence, the clinical significance of this alteration remains unclear.

NM_013436.5(NCKAP1):c.2602-3T>A

Gene: NCKAP1 (NCK associated protein 1; minus strand). Cytogenetic location: 2q32.1.
Variant type: single nucleotide variant.
Coding change: c.2602-3T>A on transcript NM_013436.5 (MANE Select); 3 bases into the intron before coding-DNA position 2602, T replaced by A.
Molecular consequence: intron variant.
Genome position (GRCh38, 1-based): chr2:182,942,166, A>T on the plus strand (T>A on the coding strand, the complement: NCKAP1 is on the minus strand). VCF-style: chr2-182942166-A-T. GRCh37 (hg19) VCF-style: chr2-183806894-A-T.
Other names: c.2620-3T>A (NM_205842.3).
Identifiers: ClinVar variation 3182327 (VCV003182327.1), dbSNP rs1453708891, ClinGen allele CA538129410.
Genomic context (GRCh38, chr2:182,942,166, plus strand): 5'-GTTTGTCAAAGCTGGTCCTCATTTGTGTTAACACATCAACATTCTCCACCACAAGTTTCT[A>T]AAAAAAAAAGAAAGATCCTAGGTCAGGCACAGACCTCTTTGTGTTAATGAGATAAGAGCA-3'